The following is an entry in ClinVar:

ClinVar aggregate classification (germline): Uncertain significance. Review status: criteria provided, multiple submitters, no conflicts (2 of 4 stars). 5 submissions from 5 submitters: Uncertain significance (5). Last evaluated 2026-10-19.

Conditions:
Dilated cardiomyopathy 1HH (CMD1HH). Identifiers: Orphanet 154, MedGen C3151293, MONDO:0013479, OMIM 613881.
Myofibrillar myopathy 6. Identifiers: Orphanet 199340, MedGen C2751831, MONDO:0013061, OMIM 612954.
Cardiovascular phenotype. Identifiers: MedGen CN230736.

gnomAD v4.1: 1 of 1,613,922 alleles (0.000062%); highest among the groups gnomAD compares: Non-Finnish European, 0.000085%; no homozygotes.

Submissions (5):

GeneDx
Classification: Uncertain significance. Last evaluated: 2026-10-19. Review status: criteria provided, single submitter. Criteria: GeneDx Variant Classification Process June 2021. Collection method: clinical testing. Allele origin: germline.
Comment: Not observed at significant frequency in large population cohorts (gnomAD); In silico analysis suggests that this missense variant does not alter protein structure/function; This variant is associated with the following publications: (PMID: 22337857, 28669108, 36642055, 40995491, 21353195)

Labcorp Genetics (formerly Invitae), Labcorp
Classification: Uncertain significance for Dilated cardiomyopathy 1HH; Myofibrillar myopathy 6. Last evaluated: 2025-06-30. Review status: criteria provided, single submitter. Criteria: Invitae Variant Classification Sherloc (09022015). Collection method: clinical testing. Allele origin: germline.
Comment: This sequence change replaces alanine, which is neutral and non-polar, with threonine, which is neutral and polar, at codon 262 of the BAG3 protein (p.Ala262Thr). This variant is not present in population databases (gnomAD no frequency). This missense change has been observed in individual(s) with dilated cardiomyopathy (PMID: 21353195, 36642055). ClinVar contains an entry for this variant (Variation ID: 234983). Invitae Evidence Modeling of protein sequence and biophysical properties (such as structural, functional, and spatial information, amino acid conservation, physicochemical variation, residue mobility, and thermodynamic stability) indicates that this missense variant is not expected to disrupt BAG3 protein function with a negative predictive value of 80%. In summary, the available evidence is currently insufficient to determine the role of this variant in disease. Therefore, it has been classified as a Variant of Uncertain Significance.

Fulgent Genetics
Classification: Uncertain significance for Myofibrillar myopathy 6; Dilated cardiomyopathy 1HH. Last evaluated: 2024-02-28. Review status: criteria provided, single submitter. Criteria: ACMG Guidelines, 2015. Collection method: clinical testing. Allele origin: germline.

Ambry Genetics
Classification: Uncertain significance for Cardiovascular phenotype. Last evaluated: 2023-11-22. Review status: criteria provided, single submitter. Criteria: Ambry Variant Classification Scheme 2023. Collection method: clinical testing. Allele origin: germline.
Comment: The p.A262T variant (also known as c.784G>A), located in coding exon 3 of the BAG3 gene, results from a G to A substitution at nucleotide position 784. The alanine at codon 262 is replaced by threonine, an amino acid with similar properties. This variant has been detected in brothers affected with dilated cardiomyopathy (DCM) and who were suspected to have an additional alteration in BAG3 identified (Norton N et al. Am. J. Hum. Genet., 2011 Mar;88:273-82). This amino acid position is well conserved in available vertebrate species. In addition, the in silico prediction for this alteration is inconclusive. Since supporting evidence is limited at this time, the clinical significance of this alteration remains unclear.

Stanford Center for Inherited Cardiovascular Disease, Stanford University
Classification: Uncertain significance. Last evaluated: 2015-07-22. Review status: criteria provided, single submitter. Criteria: ACMG Guidelines, 2015. Collection method: provider interpretation. Allele origin: germline.

Literature cited by the submitters: PubMed 21353195 (cited by Labcorp Genetics (formerly Invitae), Labcorp and Ambry Genetics); PubMed 36642055 (cited by Labcorp Genetics (formerly Invitae), Labcorp); PubMed 28669108 (cited by Ambry Genetics).

NM_004281.4(BAG3):c.784G>A (p.Ala262Thr)

Gene: BAG3 (BAG cochaperone 3; plus strand). Cytogenetic location: 10q26.11.
Variant type: single nucleotide variant.
Coding change: c.784G>A on transcript NM_004281.4 (MANE Select); coding-DNA position 784, G replaced by A.
Protein change: p.Ala262Thr; replaces alanine 262 with threonine.
Molecular consequence: missense variant.
Genome position (GRCh38, 1-based): chr10:119,672,531, G>A. VCF-style: chr10-119672531-G-A. GRCh37 (hg19) VCF-style: chr10-121432043-G-A.
Other names: short protein forms A262T.
Identifiers: ClinVar variation 234983 (VCV000234983.15), dbSNP rs876661343, ClinGen allele CA10581155.
Genomic context (GRCh38, chr10:119,672,531, plus strand): 5'-ACCCACCAGCCTGTGTACCACAAGATCCAGGGGGATGACTGGGAGCCCCGGCCCCTGCGG[G>A]CGGCATCCCCGTTCAGGTCATCTGTCCAGGGTGCATCGAGCCGGGAGGGCTCACCAGCCA-3'
Protein context (NP_004272.2, residues 252-272): GDDWEPRPLR[Ala262Thr]ASPFRSSVQG